The following is an entry in ClinVar:

ClinVar aggregate classification (germline): Uncertain significance (1 of 4 stars; one submission).

Submission:

Labcorp Genetics (formerly Invitae), Labcorp
Classification: Uncertain significance. Last evaluated: 2025-07-14. Review status: criteria provided, single submitter. Criteria: Invitae Variant Classification Sherloc (09022015). Collection method: clinical testing. Allele origin: germline.
Comment: This sequence change replaces lysine, which is basic and polar, with arginine, which is basic and polar, at codon 478 of the CFH protein (p.Lys478Arg). This variant is not present in population databases (gnomAD no frequency). This variant has not been reported in the literature in individuals affected with CFH-related conditions. An algorithm developed to predict the effect of missense changes on protein structure and function (PolyPhen-2) suggests that this variant is likely to be tolerated. In summary, the available evidence is currently insufficient to determine the role of this variant in disease. Therefore, it has been classified as a Variant of Uncertain Significance.

NM_000186.4(CFH):c.1433A>G (p.Lys478Arg)

Gene: CFH (complement factor H; plus strand). Cytogenetic location: 1q31.3.
Variant type: single nucleotide variant.
Coding change: c.1433A>G on transcript NM_000186.4 (MANE Select); coding-DNA position 1433, A replaced by G.
Protein change: p.Lys478Arg; replaces lysine 478 with arginine.
Molecular consequence: missense variant.
Genome position (GRCh38, 1-based): chr1:196,713,831, A>G. VCF-style: chr1-196713831-A-G. GRCh37 (hg19) VCF-style: chr1-196682961-A-G.
Other names: short protein forms K478R.
Identifiers: ClinVar variation 4723149 (VCV004723149.1).